The following is an entry in ClinVar:

ClinVar aggregate classification (germline): Pathogenic/Likely pathogenic. Review status: criteria provided, multiple submitters, no conflicts (2 of 4 stars). 2 submissions from 2 submitters: Pathogenic (1); Likely pathogenic (1). Last evaluated 2025-11-11.

Conditions:
Developmental and epileptic encephalopathy, 54. Also called: HNRNPU-Related Neurodevelopmental Disorder; Epileptic encephalopathy, early infantile, 54. Identifiers: MedGen C4479319, MONDO:0033363, OMIM 617391.

Submissions (2):

Greenwood Genetic Center Diagnostic Laboratories, Greenwood Genetic Center
Classification: Pathogenic for Developmental and epileptic encephalopathy, 54. Last evaluated: 2025-11-11. Review status: criteria provided, single submitter. Criteria: ACMG Guidelines, 2015. Collection method: clinical testing. Allele origin: germline. Affected: yes.
Comment: PS2_Very Strong, PS4, PM2

Laboratory of Medical Genetics, University of Torino
Classification: Likely pathogenic for Developmental and epileptic encephalopathy, 54. Last evaluated: 2022-12-23. Review status: criteria provided, single submitter. Criteria: ACMG Guidelines, 2015. Collection method: clinical testing. Allele origin: de novo. Affected: yes.

NM_031844.3(HNRNPU):c.1717AAG[1] (p.Lys574del)

Gene: HNRNPU (heterogeneous nuclear ribonucleoprotein U; minus strand). Cytogenetic location: 1q44.
Variant type: Microsatellite.
Coding change: c.1717AAG[1] on transcript NM_031844.3 (MANE Select); one copy of the 3-base unit AAG starting at c.1717; the reference has two copies in a row; one copy, 3 bases deleted; also written c.1720_1722del.
Protein change: p.Lys574del; deletes lysine 574.
Molecular consequence: inframe deletion.
Genome position (GRCh38, 1-based): chr1:244,856,749-244,856,751, CTT deleted on the plus strand (AAG on the coding strand, the reverse complement: HNRNPU is on the minus strand); deleting any 3 consecutive bases within chr1:244,856,749-244,856,754 gives the same sequence; the position shown is the placement nearest the transcript's 3' end. VCF-style (leftmost placement, unchanged base first): chr1-244856748-GCTT-G. GRCh37 (hg19) VCF-style: chr1-245020050-GCTT-G.
Other names: c.1660AAG[1], p.Lys555del (NM_004501.3); c.1720_1722del (NM_031844.3); short protein forms K555del, K574del.
Identifiers: ClinVar variation 1809597 (VCV001809597.2), dbSNP rs2527506153, ClinGen allele CA2580611578.
Genomic context (GRCh38, chr1:244,856,748, plus strand): 5'-TTATCAGTTAATATTTTTCAATTTCAAAGCTACAGCGTACCTGATCCAGAATAAAATTTC[GCTT>G]CTTTCGGGCAGCAATCTCAATAAATTTCCCAAGACACTGGGGGGCTCTCTGCAACAGTGT-3'